The following is an entry in ClinVar:

NM_001204.7(BMPR2):c.2605C>G (p.Pro869Ala)

Gene: BMPR2 (bone morphogenetic protein receptor type 2; plus strand). Cytogenetic location: 2q33.2.
Variant type: single nucleotide variant.
Coding change: c.2605C>G on transcript NM_001204.7 (MANE Select); coding-DNA position 2605, C replaced by G.
Protein change: p.Pro869Ala; replaces proline 869 with alanine.
Molecular consequence: missense variant.
Genome position (GRCh38, 1-based): chr2:202,556,270, C>G. VCF-style: chr2-202556270-C-G. GRCh37 (hg19) VCF-style: chr2-203420993-C-G.
Other names: short protein forms P869A.
Identifiers: ClinVar variation 4867638 (VCV004867638.1).

ClinVar aggregate classification (germline): Uncertain significance (1 of 4 stars; one submission).

Conditions:
Inborn genetic diseases. Identifiers: MedGen C0950123, MeSH D030342.

gnomAD v4.1: 1 of 1,614,220 alleles (0.000062%); highest among the groups gnomAD compares: Non-Finnish European, 0.000085%; no homozygotes.

Submission:

Ambry Genetics
Classification: Uncertain significance for Inborn genetic diseases. Last evaluated: 2026-05-18. Review status: criteria provided, single submitter. Criteria: Ambry Variant Classification Scheme 2023. Collection method: clinical testing. Allele origin: germline.
Comment: The p.P869A variant (also known as c.2605C>G), located in coding exon 12 of the BMPR2 gene, results from a C to G substitution at nucleotide position 2605. The proline at codon 869 is replaced by alanine, an amino acid with highly similar properties. This amino acid position is conserved. In addition, the in silico prediction for this alteration is inconclusive. Based on the available evidence, the clinical significance of this variant remains unclear.